The following is an entry in ClinVar:

ClinVar aggregate classification (germline): Pathogenic (1 of 4 stars; one submission).

Conditions:
Duchenne muscular dystrophy (DMD). Also called: Duchenne Muscular Dystrophy (DMD); MUSCULAR DYSTROPHY, PSEUDOHYPERTROPHIC PROGRESSIVE, DUCHENNE TYPE. Identifiers: Orphanet 98896, MedGen C0013264, MONDO:0010679, OMIM 310200.

Submission:

Labcorp Genetics (formerly Invitae), Labcorp
Classification: Pathogenic for Duchenne muscular dystrophy. Last evaluated: 2022-06-23. Review status: criteria provided, single submitter. Criteria: Invitae Variant Classification Sherloc (09022015). Collection method: clinical testing. Allele origin: germline.
Comment: For these reasons, this variant has been classified as Pathogenic. This variant disrupts a region of the DMD protein in which other variant(s) (Deletion of Exon 13) have been determined to be pathogenic (PMID: 18353051, 22379338, 28116794, 28610567). This suggests that this is a clinically significant region of the protein, and that variants that disrupt it are likely to be disease-causing. A similar copy number variant has been observed in individual(s) with Becker muscular dystrophy (PMID: 31705731). This variant is a gross deletion of the genomic region encompassing exon(s) 6-18 of the DMD gene. This variant would be expected to be in-frame, preserving the integrity of the reading frame.

Literature cited by the submitters: PubMed 18353051; PubMed 22379338; PubMed 28116794; PubMed 28610567; PubMed 31705731.

NC_000023.10:g.(?_32536105)_(32834777_?)del

Gene: DMD (dystrophin; minus strand). Cytogenetic location: Xp21.1.
Variant type: Deletion.
Identifiers: ClinVar variation 2424930 (VCV002424930.5).